The following is an entry in ClinVar:

NM_000089.4(COL1A2):c.1319G>A (p.Arg440His)

Gene: COL1A2 (collagen type I alpha 2 chain; plus strand). Cytogenetic location: 7q21.3.
Variant type: single nucleotide variant.
Coding change: c.1319G>A on transcript NM_000089.4 (MANE Select); coding-DNA position 1319, G replaced by A.
Protein change: p.Arg440His; replaces arginine 440 with histidine.
Molecular consequence: missense variant.
Genome position (GRCh38, 1-based): chr7:94,411,123, G>A. VCF-style: chr7-94411123-G-A. GRCh37 (hg19) VCF-style: chr7-94040435-G-A.
Other names: p.Arg440His; short protein forms R440H.
Identifiers: ClinVar variation 1327160 (VCV001327160.10), dbSNP rs141677005, ClinGen allele CA4346999.

ClinVar aggregate classification (germline): Uncertain significance. Review status: criteria provided, multiple submitters, no conflicts (2 of 4 stars). 4 submissions from 4 submitters: Uncertain significance (4). Last evaluated 2025-12-30.

Conditions:
Cardiovascular phenotype. Identifiers: MedGen CN230736.
Osteogenesis imperfecta type I (OI1). Also called: OI, TYPE I; OSTEOGENESIS IMPERFECTA TARDA; OSTEOGENESIS IMPERFECTA WITH BLUE SCLERAE; Osteogenesis imperfecta type 1; Lobstein's Disease; Lobstein disease. Identifiers: Orphanet 216796, Orphanet 666, MedGen C0023931, MONDO:0008146, OMIM 166200. Disease mechanism: loss of function.
Ehlers-Danlos syndrome, classic type, 1 (EDSCL1). Also called: EHLERS-DANLOS SYNDROME, GRAVIS TYPE; EHLERS-DANLOS SYNDROME, SEVERE CLASSIC TYPE; Ehlers-Danlos syndrome, type 1; EDS I; Ehlers-Danlos Syndrome, Classic Type, COL5A1-Related. Identifiers: MedGen C0268335, MONDO:0019567, OMIM 130000.

Allele frequency attached by ClinVar (database versions not stated): gnomAD exomes 0.00001; ESP Exome Variant Server 0.00008.
gnomAD v4.1: 9 of 1,596,348 alleles (0.00056%); highest among the groups gnomAD compares: Middle Eastern, 0.018%; no homozygotes.

Submissions (4):

Ambry Genetics
Classification: Uncertain significance for Cardiovascular phenotype. Last evaluated: 2025-12-30. Review status: criteria provided, single submitter. Criteria: Ambry Variant Classification Scheme 2023. Collection method: clinical testing. Allele origin: germline.
Comment: The p.R440H variant (also known as c.1319G>A), located in coding exon 23 of the COL1A2 gene, results from a G to A substitution at nucleotide position 1319. The arginine at codon 440 is replaced by histidine, an amino acid with highly similar properties. This amino acid position is highly conserved in available vertebrate species. In addition, this alteration is predicted to be deleterious by in silico analysis. Based on the available evidence, the clinical significance of this variant remains unclear.

Labcorp Genetics (formerly Invitae), Labcorp
Classification: Uncertain significance for Osteogenesis imperfecta type I; Ehlers-Danlos syndrome, classic type, 1. Last evaluated: 2025-10-23. Review status: criteria provided, single submitter. Criteria: Invitae Variant Classification Sherloc (09022015). Collection method: clinical testing. Allele origin: germline.
Comment: This sequence change replaces arginine, which is basic and polar, with histidine, which is basic and polar, at codon 440 of the COL1A2 protein (p.Arg440His). The frequency data for this variant in the population databases is considered unreliable, as metrics indicate poor data quality at this position in the gnomAD database. This variant has not been reported in the literature in individuals affected with COL1A2-related conditions. ClinVar contains an entry for this variant (Variation ID: 1327160). Invitae Evidence Modeling of protein sequence and biophysical properties (such as structural, functional, and spatial information, amino acid conservation, physicochemical variation, residue mobility, and thermodynamic stability) has been performed for this missense variant. However, the output from this modeling did not meet the statistical confidence thresholds required to predict the impact of this variant on COL1A2 protein function. In summary, the available evidence is currently insufficient to determine the role of this variant in disease. Therefore, it has been classified as a Variant of Uncertain Significance.

Mayo Clinic Laboratories, Mayo Clinic
Classification: Uncertain significance. Last evaluated: 2025-10-16. Review status: criteria provided, single submitter. Criteria: ACMG Guidelines, 2015. Collection method: clinical testing. Allele origin: germline. Observed: 1 variant allele.
Comment: PP3, PM2_supporting

GeneDx
Classification: Uncertain significance. Last evaluated: 2021-06-04. Review status: criteria provided, single submitter. Criteria: GeneDx Variant Classification Process June 2021. Collection method: clinical testing. Allele origin: germline. Affected: yes.
Comment: Not observed at significant frequency in large population cohorts (Lek et al., 2016); In silico analysis supports that this missense variant has a deleterious effect on protein structure/function; Occurs in the triple helical domain at the X position in the canonical Gly-X-Y repeat; although this variant may have an effect on normal protein folding and function, missense substitution at the X position is not a common mechanism of disease; Has not been previously published as pathogenic or benign to our knowledge; This variant is associated with the following publications: (PMID: 27535533)